The following is an entry in ClinVar:

ClinVar aggregate classification (germline): Pathogenic (1 of 4 stars; one submission).

Conditions:
Breast-ovarian cancer, familial, susceptibility to, 3. Also called: RAD51C-Related Breast/Ovarian Cancer. Identifiers: Orphanet 145, MedGen C3150659, MONDO:0013253, OMIM 613399.

Submission:

Myriad Genetics, Inc.
Classification: Pathogenic for Breast-ovarian cancer, familial, susceptibility to, 3. Last evaluated: 2024-01-02. Review status: criteria provided, single submitter. Criteria: Myriad Autosomal Dominant, Autosomal Recessive and X-Linked Classification Criteria (2023). Collection method: clinical testing. Allele origin: unknown.
Comment: This variant is considered pathogenic. This variant creates a frameshift predicted to result in premature protein truncation.

NM_058216.3(RAD51C):c.388_400del (p.Gly130fs)

Gene: RAD51C (RAD51 paralog C; plus strand). Cytogenetic location: 17q22.
Variant type: Deletion.
Coding change: c.388_400del on transcript NM_058216.3 (MANE Select); coding-DNA positions 388 to 400, 13 bases deleted (GGAAAAACACAAT).
Protein change: p.Gly130fs; shifts the reading frame from glycine 130.
Molecular consequence: frameshift variant. On other transcripts: non-coding transcript variant (2).
Genome position (GRCh38, 1-based): chr17:58,695,173-58,695,185, GGAAAAACACAAT deleted; deleting any 13 consecutive bases within chr17:58,695,172-58,695,185 gives the same sequence; the c. name uses the placement nearest the transcript's 3' end. VCF-style (leftmost placement, unchanged base first): chr17-58695171-TTGGAAAAACACAA-T. GRCh37 (hg19) VCF-style: chr17-56772532-TTGGAAAAACACAA-T.
Other names: c.388_400del, p.Gly130fs (NM_002876.4); c.388_400delGGAAAAACACAAT, p.Gly130Tyrfs (NM_058217.1); short protein forms G130fs.
Identifiers: ClinVar variation 3148369 (VCV003148369.1), dbSNP rs2509276286, ClinGen allele CA2825002561.